The following is an entry in ClinVar:

NM_002691.4(POLD1):c.1469A>G (p.Gln490Arg)

Gene: POLD1 (DNA polymerase delta 1, catalytic subunit; plus strand). Cytogenetic location: 19q13.33.
Variant type: single nucleotide variant.
Coding change: c.1469A>G on transcript NM_002691.4 (MANE Select); coding-DNA position 1469, A replaced by G.
Protein change: p.Gln490Arg; replaces glutamine 490 with arginine.
Molecular consequence: missense variant. On other transcripts: non-coding transcript variant (1).
Genome position (GRCh38, 1-based): chr19:50,406,492, A>G. VCF-style: chr19-50406492-A-G. GRCh37 (hg19) VCF-style: chr19-50909749-A-G.
Other names: c.1469A>G, p.Gln490Arg (NM_001256849.1, NM_001308632.1); c.1469A>G (NM_002691.2); short protein forms Q490R.
Identifiers: ClinVar variation 573708 (VCV000573708.9), dbSNP rs1283947674, ClinGen allele CA406980273.

ClinVar aggregate classification (germline): Uncertain significance. Review status: criteria provided, multiple submitters, no conflicts (2 of 4 stars). 2 submissions from 2 submitters: Uncertain significance (2). Last evaluated 2025-04-13.

Conditions:
POLD1-related polyposis and colorectal cancer syndrome (CRCS10). Also called: Colorectal cancer 10; COLORECTAL CANCER, SUSCEPTIBILITY TO, ON CHROMOSOME 19q; Colorectal cancer, susceptibility to, 10. Identifiers: Orphanet 220460, MedGen C2675481, MONDO:0012953, OMIM 612591.
Hereditary cancer-predisposing syndrome. Also called: Tumor predisposition; Neoplastic Syndromes, Hereditary; Hereditary Cancer Syndrome; Hereditary neoplastic syndrome. Identifiers: Orphanet 140162, MedGen C0027672, MeSH D009386, MONDO:0015356.

Allele frequency attached by ClinVar (database versions not stated): gnomAD exomes below 0.00001.
gnomAD v4.1: 1 of 1,591,894 alleles (0.000063%); highest among the groups gnomAD compares: Non-Finnish European, 0.000086%; no homozygotes.

Submissions (2):

Ambry Genetics
Classification: Uncertain significance for Hereditary cancer-predisposing syndrome. Last evaluated: 2025-04-13. Review status: criteria provided, single submitter. Criteria: Ambry Variant Classification Scheme 2023. Collection method: clinical testing. Allele origin: germline.
Comment: The p.Q490R variant (also known as c.1469A>G), located in coding exon 11 of the POLD1 gene, results from an A to G substitution at nucleotide position 1469. The glutamine at codon 490 is replaced by arginine, an amino acid with highly similar properties. This amino acid position is conserved. In addition, this alteration is predicted to be tolerated by in silico analysis. Based on the available evidence, the clinical significance of this variant remains unclear.

Labcorp Genetics (formerly Invitae), Labcorp
Classification: Uncertain significance for POLD1-related polyposis and colorectal cancer syndrome. Last evaluated: 2025-03-22. Review status: criteria provided, single submitter. Criteria: Invitae Variant Classification Sherloc (09022015). Collection method: clinical testing. Allele origin: germline.
Comment: This sequence change replaces glutamine, which is neutral and polar, with arginine, which is basic and polar, at codon 490 of the POLD1 protein (p.Gln490Arg). This variant is not present in population databases (gnomAD no frequency). This variant has not been reported in the literature in individuals affected with POLD1-related conditions. ClinVar contains an entry for this variant (Variation ID: 573708). Invitae Evidence Modeling of protein sequence and biophysical properties (such as structural, functional, and spatial information, amino acid conservation, physicochemical variation, residue mobility, and thermodynamic stability) indicates that this missense variant is not expected to disrupt POLD1 protein function with a negative predictive value of 80%. In summary, the available evidence is currently insufficient to determine the role of this variant in disease. Therefore, it has been classified as a Variant of Uncertain Significance.